The following is an entry in ClinVar:

ClinVar aggregate classification (germline): Benign (1 of 4 stars; one submission).

Conditions:
Cone-rod dystrophy 5 (CORD5). Identifiers: Orphanet 1872, MedGen C1832976, MONDO:0010969, OMIM 600977.

Allele frequency attached by ClinVar (database versions not stated): 1000 Genomes Project 0.00080; 1000 Genomes Project 30x 0.00109; gnomAD 0.00168 and 0.00172; TOPMed 0.00175.

Submission:

Illumina Laboratory Services, Illumina
Classification: Benign for Cone-rod dystrophy 5. Last evaluated: 2018-01-13. Review status: criteria provided, single submitter. Criteria: ICSL Variant Classification Criteria 13 December 2019. Collection method: clinical testing. Allele origin: germline.
Comment: This variant was observed in the ICSL laboratory as part of a predisposition screen in an ostensibly healthy population. It had not been previously curated by ICSL or reported in the Human Gene Mutation Database (HGMD: prior to June 1st, 2018), and was therefore a candidate for classification through an automated scoring system. Utilizing variant allele frequency, disease prevalence and penetrance estimates, and inheritance mode, an automated score was calculated to assess if this variant is too frequent to cause the disease. Based on the score and internal cut-off values, a variant classified as benign is not then subjected to further curation. The score for this variant resulted in a classification of benign for this disease.

NM_031220.4(PITPNM3):c.*3253G>C

Gene: PITPNM3 (PITPNM family member 3; minus strand). Cytogenetic location: 17p13.2.
Variant type: single nucleotide variant.
Coding change: c.*3253G>C on transcript NM_031220.4 (MANE Select); 3253 bases downstream of the stop codon, G replaced by C.
Molecular consequence: 3 prime UTR variant.
Genome position (GRCh38, 1-based): chr17:6,452,085, C>G on the plus strand (G>C on the coding strand, the complement: PITPNM3 is on the minus strand). VCF-style: chr17-6452085-C-G. GRCh37 (hg19) VCF-style: chr17-6355405-C-G.
Other names: c.*3253G>C (NM_001165966.2).
Identifiers: ClinVar variation 324681 (VCV000324681.5), dbSNP rs563717612, ClinGen allele CA10640276.